The following is an entry in ClinVar:

ClinVar aggregate classification (germline): Uncertain significance (1 of 4 stars; one submission).

Conditions:
Primary ciliary dyskinesia. Also called: Ciliary dyskinesia. Identifiers: Orphanet 244, MedGen C0008780, MONDO:0016575, HP:0012265.

Allele frequency attached by ClinVar (database versions not stated): ExAC 0.00001; gnomAD exomes 0.00001.
gnomAD v4.1: 8 of 1,613,474 alleles (0.0005%); highest among the groups gnomAD compares: South Asian, 0.0066%; no homozygotes.

Submission:

Ambry Genetics
Classification: Uncertain significance for Primary ciliary dyskinesia. Last evaluated: 2017-02-09. Review status: criteria provided, single submitter. Criteria: Ambry Variant Classification Scheme 2023. Collection method: clinical testing. Allele origin: germline.
Comment: The p.M378T variant (also known as c.1133T>C), located in coding exon 10 of the LRRC6 gene, results from a T to C substitution at nucleotide position 1133. The methionine at codon 378 is replaced by threonine, an amino acid with similar properties. This amino acid position is highly conserved in available vertebrate species. In addition, this alteration is predicted to be deleterious by in silico analysis. Since supporting evidence is limited at this time, the clinical significance of this alteration remains unclear.

NM_012472.6(DNAAF11):c.1133T>C (p.Met378Thr)

Gene: DNAAF11 (dynein axonemal assembly factor 11; minus strand). Cytogenetic location: 8q24.22.
Variant type: single nucleotide variant.
Coding change: c.1133T>C on transcript NM_012472.6 (MANE Select); coding-DNA position 1133, T replaced by C.
Protein change: p.Met378Thr; replaces methionine 378 with threonine.
Molecular consequence: missense variant. On other transcripts: non-coding transcript variant (10).
Genome position (GRCh38, 1-based): chr8:132,610,173, A>G on the plus strand (T>C on the coding strand, the complement: DNAAF11 is on the minus strand). VCF-style: chr8-132610173-A-G. GRCh37 (hg19) VCF-style: chr8-133622419-A-G.
Other names: c.1073T>C, p.Met358Thr (NM_001321961.2); c.887T>C, p.Met296Thr (NM_001321962.2); c.773T>C, p.Met258Thr (NM_001321963.2, NM_001321964.2, NM_001321965.2); c.713T>C, p.Met238Thr (NM_001321966.2); short protein forms M238T, M258T, M296T, M358T, M378T.
Identifiers: ClinVar variation 1799643 (VCV001799643.2), dbSNP rs760449498, ClinGen allele CA4881161.
Genomic context (GRCh38, chr8:132,610,173, plus strand): 5'-CTTCAGGAACCCTCATATCCAGACTTGAAATTGACCCAAATGACATGACCTACCTTGGGC[A>G]TGCAGATGACCAAATGACCCGTTGTCTGAGATCTTTTAGCAGAACTACTATCGGGTTTCA-3'
Protein context (NP_036604.2, residues 368-388): SQTTGHLVIC[Met378Thr]PKVGEVITGG